The following is an entry in ClinVar:

ClinVar aggregate classification (germline): Uncertain significance (1 of 4 stars; one submission).

Conditions:
Cardiovascular phenotype. Identifiers: MedGen CN230736.

Submission:

Ambry Genetics
Classification: Uncertain significance for Cardiovascular phenotype. Last evaluated: 2023-11-08. Review status: criteria provided, single submitter. Criteria: Ambry Variant Classification Scheme 2023. Collection method: clinical testing. Allele origin: germline.
Comment: The p.E2680G variant (also known as c.8039A>G), located in coding exon 48 of the FLNC gene, results from an A to G substitution at nucleotide position 8039. The glutamic acid at codon 2680 is replaced by glycine, an amino acid with similar properties. This amino acid position is conserved. In addition, this alteration is predicted to be deleterious by in silico analysis. Since supporting evidence is limited at this time, the clinical significance of this alteration remains unclear.

NM_001458.5(FLNC):c.8039A>G (p.Glu2680Gly)

Genes: FLNC (filamin C; plus strand), FLNC-AS1 (FLNC antisense RNA 1; minus strand). Cytogenetic location: 7q32.1.
Variant type: single nucleotide variant.
Coding change: c.8039A>G on transcript NM_001458.5 (MANE Select); coding-DNA position 8039, A replaced by G.
Protein change: p.Glu2680Gly; replaces glutamic acid 2680 with glycine.
Molecular consequence: missense variant.
Genome position (GRCh38, 1-based): chr7:128,858,384, A>G. VCF-style: chr7-128858384-A-G. GRCh37 (hg19) VCF-style: chr7-128498438-A-G.
Other names: c.7940A>G, p.Glu2647Gly (NM_001127487.2); short protein forms E2647G, E2680G.
Identifiers: ClinVar variation 3221757 (VCV003221757.1), dbSNP rs2536673733, ClinGen allele CA369221325.